The following is an entry in ClinVar:

NM_000199.5(SGSH):c.1336del (p.His446fs)

Gene: SGSH (N-sulfoglucosamine sulfohydrolase; minus strand). Cytogenetic location: 17q25.3.
Variant type: Deletion.
Coding change: c.1336del on transcript NM_000199.5 (MANE Select); coding-DNA position 1336, one base deleted (C; older notation c.1336delC).
Protein change: p.His446fs; shifts the reading frame from histidine 446.
Molecular consequence: frameshift variant. On other transcripts: 3 prime UTR variant (2), non-coding transcript variant (1).
Genome position (GRCh38, 1-based): chr17:80,210,625, G deleted on the plus strand (C on the coding strand, the reverse complement: SGSH is on the minus strand); the first of 5 consecutive G bases (chr17:80,210,625-80,210,629); deleting any one gives the same sequence. VCF-style (leftmost placement, unchanged base first): chr17-80210624-TG-T. GRCh37 (hg19) VCF-style: chr17-78184423-TG-T.
Other names: c.*423del (NM_001352921.3); c.*386del (NM_001352922.2); short protein forms H446fs.
Identifiers: ClinVar variation 2831487 (VCV002831487.3), dbSNP rs2510856684, ClinGen allele CA2739268492.
Genomic context (GRCh38, chr17:80,210,624, plus strand): 5'-TCCCGAAGCATCTCCAGAAGCTGAGCAAAGCGCGGGTCGGTGGCCAGGTTCTGGGTCTCG[TG>T]GGGGTCCCGGCTCCGGTCGTAGAGCTCCCAGCGCGCCCGGTAGTAGTAATGACGGAGGTC-3'

ClinVar aggregate classification (germline): Pathogenic (1 of 4 stars; one submission).

Conditions:
Mucopolysaccharidosis, MPS-III-A (MPS3A). Also called: Mucopolysaccharidosis type IIIA (Sanfilippo A); Mucopolysaccharidosis, type IIIA; mucopolysaccharidosis type 3A; MPS IIIA (Sanfilippo Syndrome Type A); HEPARAN SULFATE SULFATASE DEFICIENCY; SANFILIPPO SYNDROME A. Identifiers: Orphanet 581, Orphanet 79269, MedGen C0086647, MONDO:0009655, OMIM 252900.

Submission:

Labcorp Genetics (formerly Invitae), Labcorp
Classification: Pathogenic for Mucopolysaccharidosis, MPS-III-A. Last evaluated: 2023-01-24. Review status: criteria provided, single submitter. Criteria: Invitae Variant Classification Sherloc (09022015). Collection method: clinical testing. Allele origin: germline.
Comment: This variant disrupts a region of the SGSH protein in which other variant(s) (p.Trp479*) have been determined to be pathogenic (PMID: 21204211). This suggests that this is a clinically significant region of the protein, and that variants that disrupt it are likely to be disease-causing. This variant has not been reported in the literature in individuals affected with SGSH-related conditions. This variant is not present in population databases (gnomAD no frequency). This sequence change results in a frameshift in the SGSH gene (p.His446Thrfs*145). While this is not anticipated to result in nonsense mediated decay, it is expected to disrupt the last 57 amino acid(s) of the SGSH protein and extend the protein by 87 additional amino acid residues. For these reasons, this variant has been classified as Pathogenic.

Literature cited by the submitters: PubMed 21204211.